The following is an entry in ClinVar:

ClinVar aggregate classification (germline): Uncertain significance. Review status: criteria provided, multiple submitters, no conflicts (2 of 4 stars). 3 submissions from 3 submitters: Uncertain significance (3). Last evaluated 2025-05-20.

Conditions:
Inborn genetic diseases. Identifiers: MedGen C0950123, MeSH D030342.

Allele frequency attached by ClinVar (database versions not stated): gnomAD exomes 0.00015; gnomAD 0.00009; TOPMed 0.00009; ESP Exome Variant Server 0.00023; ExAC 0.00004.
gnomAD v4.1: 236 of 1,613,968 alleles (0.015%); highest among the groups gnomAD compares: Non-Finnish European, 0.019%; no homozygotes.

Submissions (3):

ARUP Laboratories, Molecular Genetics and Genomics, ARUP Laboratories
Classification: Uncertain significance. Last evaluated: 2025-05-20. Review status: criteria provided, single submitter. Criteria: ARUP Molecular Germline Variant Investigation Process 2024. Collection method: clinical testing. Allele origin: germline.
Comment: The SPTB c.2165C>T; p.Ser722Leu variant (rs150328574), to our knowledge, is not reported in the medical literature but is reported in ClinVar (Variation ID: 2436436). This variant is found in the non-Finnish European population with an allele frequency of 0.01% (19/128832 alleles) in the Genome Aggregation Database (v2.1.1). Computational analyses predict that this variant is neutral (REVEL: 0.084). Due to limited information, the clinical significance of this variant is uncertain at this time.

Revvity Omics, Revvity
Classification: Uncertain significance. Last evaluated: 2025-01-07. Review status: criteria provided, single submitter. Criteria: ACMG Guidelines, 2015. Collection method: clinical testing. Allele origin: germline.

Ambry Genetics
Classification: Uncertain significance for Inborn genetic diseases. Last evaluated: 2023-09-14. Review status: criteria provided, single submitter. Criteria: Ambry Variant Classification Scheme 2023. Collection method: clinical testing. Allele origin: germline.

NM_001355436.2(SPTB):c.2165C>T (p.Ser722Leu)

Gene: SPTB (spectrin beta, erythrocytic; minus strand). Cytogenetic location: 14q23.3.
Variant type: single nucleotide variant.
Coding change: c.2165C>T on transcript NM_001355436.2 (MANE Select); coding-DNA position 2165, C replaced by T.
Protein change: p.Ser722Leu; replaces serine 722 with leucine.
Molecular consequence: missense variant.
Genome position (GRCh38, 1-based): chr14:64,793,498, G>A on the plus strand (C>T on the coding strand, the complement: SPTB is on the minus strand). VCF-style: chr14-64793498-G-A. GRCh37 (hg19) VCF-style: chr14-65260216-G-A.
Other names: NM_000347.5:c.2165C>T; c.2165C>T, p.Ser722Leu (NM_001024858.4, NM_001355437.2); short protein forms S722L.
Identifiers: ClinVar variation 2436436 (VCV002436436.7), dbSNP rs150328574, ClinGen allele CA7230925.